The following is an entry in ClinVar:

NC_000016.9:g.(?_89869657)_(89881031_?)dup

Gene: FANCA (FA complementation group A; minus strand). Cytogenetic location: 16q24.3.
Variant type: Duplication.
Identifiers: ClinVar variation 2422425 (VCV002422425.3).

ClinVar aggregate classification (germline): Uncertain significance (1 of 4 stars; one submission).

Conditions:
Fanconi anemia (FA). Also called: Fanconi's anemia. Identifiers: Orphanet 84, MedGen C0015625, MeSH D005199, MONDO:0019391.

Submission:

Labcorp Genetics (formerly Invitae), Labcorp
Classification: Uncertain significance for Fanconi anemia. Last evaluated: 2021-02-02. Review status: criteria provided, single submitter. Criteria: Invitae Variant Classification Sherloc (09022015). Collection method: clinical testing. Allele origin: germline.
Comment: This variant results in a copy number gain of the genomic region encompassing exon(s) 3-8 of the FANCA gene. While the exact position of this variant cannot be determined from the data, sub-genic copy number gains are generally in tandem (PMID: 25640679). This variant is predicted to be in-frame, and likely preserves the integrity of the reading frame. This variant has not been reported in the literature in individuals with FANCA-related conditions. Experimental studies and prediction algorithms are not available or were not evaluated, and the functional significance of this variant is currently unknown. In summary, the available evidence is currently insufficient to determine the role of this variant in disease. Therefore, it has been classified as a Variant of Uncertain Significance.

Literature cited by the submitters: PubMed 25640679.